The following is an entry in ClinVar:

NM_014875.3(KIF14):c.103C>T (p.Arg35Ter)

Gene: KIF14 (kinesin family member 14; minus strand). Cytogenetic location: 1q32.1.
Variant type: single nucleotide variant.
Coding change: c.103C>T on transcript NM_014875.3 (MANE Select); coding-DNA position 103, C replaced by T.
Protein change: p.Arg35Ter; replaces arginine 35 with a stop codon.
Molecular consequence: nonsense. On other transcripts: 5 prime UTR variant (1).
Genome position (GRCh38, 1-based): chr1:200,618,621, G>A on the plus strand (C>T on the coding strand, the complement: KIF14 is on the minus strand). VCF-style: chr1-200618621-G-A. GRCh37 (hg19) VCF-style: chr1-200587749-G-A.
Other names: c.103C>T (NM_014875.2); c.-1283C>T (NM_001305792.1); short protein forms R35*.
Identifiers: ClinVar variation 1678037 (VCV001678037.12), dbSNP rs774318019, ClinGen allele CA1318090.

ClinVar aggregate classification (germline): Pathogenic/Likely pathogenic. Review status: criteria provided, multiple submitters, no conflicts (2 of 4 stars). 6 submissions from 6 submitters: Pathogenic (2); Likely pathogenic (4). Last evaluated 2024-11-20.

Conditions:
KIF14-related disorder. Also called: KIF14-related condition.
Microcephaly 20, primary, autosomal recessive. Identifiers: MedGen C4693572, MONDO:0054761, OMIM 617914.

Allele frequency attached by ClinVar (database versions not stated): gnomAD 0.00001; gnomAD exomes 0.00001 and 0.00002; ExAC 0.00002; TOPMed 0.00002.
gnomAD v4.1: 25 of 1,613,858 alleles (0.0015%); highest among the groups gnomAD compares: African/African-American, 0.0027%; no homozygotes.

Submissions (6):

Blueprint Genetics
Classification: Likely pathogenic for KIF14-related disorders. Last evaluated: 2024-11-20. Review status: criteria provided, single submitter. Criteria: ACMG Guidelines, 2015. Collection method: clinical testing. Allele origin: germline. Affected: yes. Observed: 5 variant alleles.

Institute of Human Genetics, University of Leipzig Medical Center
Classification: Pathogenic for Microcephaly 20, primary, autosomal recessive. Last evaluated: 2024-10-25. Review status: criteria provided, single submitter. Criteria: ACMG Guidelines, 2015. Collection method: clinical testing. Allele origin: inherited. Inheritance: Autosomal recessive inheritance. Affected: yes.
Comment: Criteria applied: PVS1,PM2,PM3_SUP

Women's Health and Genetics/Laboratory Corporation of America, LabCorp
Classification: Likely pathogenic for Microcephaly 20, primary, autosomal recessive. Last evaluated: 2023-03-10. Review status: criteria provided, single submitter. Criteria: LabCorp Variant Classification Summary - May 2015. Collection method: clinical testing. Allele origin: germline.
Comment: Variant summary: KIF14 c.103C>T (p.Arg35X) results in a premature termination codon, predicted to cause a truncation of the encoded protein or absence of the protein due to nonsense mediated decay, which are commonly known mechanisms for disease. Truncations downstream of this position have been associated with Microcephaly in HGMD and classified as pathogenic in ClinVar. The next downstream in-frame potential start site is located at Met44, however more evidence is needed to determine its significance. The variant allele was found at a frequency of 2.4e-05 in 251310 control chromosomes. To our knowledge, no occurrence of c.103C>T in individuals affected with Microcephaly 20, Primary, Autosomal Recessive and no experimental evidence demonstrating its impact on protein function have been reported. Two clinical diagnostic laboratories have submitted clinical-significance assessments for this variant to ClinVar after 2014 without evidence for independent evaluation. All laboratories classified the variant as pathogenic (n=1) and likely pathogenic (n=1). Based on the evidence outlined above, the variant was classified as likely pathogenic.

Baylor Genetics
Classification: Likely pathogenic for Microcephaly 20, primary, autosomal recessive. Last evaluated: 2022-03-18. Review status: criteria provided, single submitter. Criteria: ACMG Guidelines, 2015. Collection method: clinical testing. Allele origin: unknown.

AiLife Diagnostics
Classification: Likely pathogenic. Last evaluated: 2022-03-16. Review status: criteria provided, single submitter. Criteria: ACMG Guidelines, 2015. Collection method: clinical testing. Allele origin: germline. Affected: yes. Observed: 1 variant allele.

Labcorp Genetics (formerly Invitae), Labcorp
Classification: Pathogenic. Last evaluated: 2022-02-12. Review status: criteria provided, single submitter. Criteria: Invitae Variant Classification Sherloc (09022015). Collection method: clinical testing. Allele origin: germline.
Comment: For these reasons, this variant has been classified as Pathogenic. This variant has not been reported in the literature in individuals affected with KIF14-related conditions. This variant is present in population databases (rs774318019, gnomAD 0.004%). This sequence change creates a premature translational stop signal (p.Arg35*) in the KIF14 gene. It is expected to result in an absent or disrupted protein product. Loss-of-function variants in KIF14 are known to be pathogenic (PMID: 23308235, 29343805, 30388224).

Literature cited by the submitters: PubMed 23308235 (cited by Labcorp Genetics (formerly Invitae), Labcorp); PubMed 29343805 (cited by Labcorp Genetics (formerly Invitae), Labcorp); PubMed 30388224 (cited by Labcorp Genetics (formerly Invitae), Labcorp).